The following is an entry in ClinVar:

NM_000085.5(CLCNKB):c.133C>T (p.Arg45Cys)

Genes: CLCNKB (chloride voltage-gated channel Kb; plus strand), LOC106501713 (CLCNKB recombination region; plus strand). Cytogenetic location: 1p36.13.
Variant type: single nucleotide variant.
Coding change: c.133C>T on transcript NM_000085.5 (MANE Select); coding-DNA position 133, C replaced by T.
Protein change: p.Arg45Cys; replaces arginine 45 with cysteine.
Molecular consequence: missense variant.
Genome position (GRCh38, 1-based): chr1:16,045,590, C>T. VCF-style: chr1-16045590-C-T. GRCh37 (hg19) VCF-style: chr1-16372085-C-T.
Other names: short protein forms R45C.
Identifiers: ClinVar variation 2164949 (VCV002164949.3), dbSNP rs367552783, ClinGen allele CA623191.

ClinVar aggregate classification (germline): Uncertain significance. Review status: criteria provided, multiple submitters, no conflicts (2 of 4 stars). 2 submissions from 2 submitters: Uncertain significance (2). Last evaluated 2024-04-12.

Conditions:
Bartter disease type 3. Also called: Bartter syndrome type 3. Identifiers: Orphanet 112, Orphanet 93605, MedGen C1846343, MONDO:0011822, OMIM 607364.
Bartter disease type 4B. Also called: BARTTER SYNDROME, TYPE 4B, NEONATAL, WITH SENSORINEURAL DEAFNESS; Bartter syndrome, type 4b, digenic; BARTTER SYNDROME, TYPE 4B. Identifiers: Orphanet 112, MedGen C4310805, MONDO:0000909, OMIM 613090.

Allele frequency attached by ClinVar (database versions not stated): gnomAD 0.00006; TOPMed 0.00007; ESP Exome Variant Server 0.00008; ExAC 0.00009.
gnomAD v4.1: 141 of 1,613,840 alleles (0.0087%); highest among the groups gnomAD compares: Non-Finnish European, 0.011%; no homozygotes.

Submissions (2):

Fulgent Genetics
Classification: Uncertain significance for Bartter disease type 3; Bartter disease type 4B. Last evaluated: 2024-04-12. Review status: criteria provided, single submitter. Criteria: ACMG Guidelines, 2015. Collection method: clinical testing. Allele origin: germline.

Labcorp Genetics (formerly Invitae), Labcorp
Classification: Uncertain significance. Last evaluated: 2022-10-02. Review status: criteria provided, single submitter. Criteria: Invitae Variant Classification Sherloc (09022015). Collection method: clinical testing. Allele origin: germline.
Comment: In summary, the available evidence is currently insufficient to determine the role of this variant in disease. Therefore, it has been classified as a Variant of Uncertain Significance. Advanced modeling of protein sequence and biophysical properties (such as structural, functional, and spatial information, amino acid conservation, physicochemical variation, residue mobility, and thermodynamic stability) performed at Invitae indicates that this missense variant is expected to disrupt CLCNKB protein function. This variant has not been reported in the literature in individuals affected with CLCNKB-related conditions. This variant is present in population databases (rs367552783, gnomAD 0.01%). This sequence change replaces arginine, which is basic and polar, with cysteine, which is neutral and slightly polar, at codon 45 of the CLCNKB protein (p.Arg45Cys).